The following is an entry in ClinVar:

ClinVar aggregate classification (germline): Uncertain significance (1 of 4 stars; one submission).

Conditions:
Autosomal recessive ataxia, Beauce type. Also called: SYNE1-Related Autosomal Recessive Cerebellar Ataxia; Spinocerebellar ataxia, autosomal recessive 8; ATAXIA, RECESSIVE, OF BEAUCE; SYNE1 Deficiency. Identifiers: Orphanet 88644, MedGen C1853116, MONDO:0012549, OMIM 610743.
Emery-Dreifuss muscular dystrophy 4, autosomal dominant (EDMD4). Also called: EMERY-DREIFUSS MUSCULAR DYSTROPHY 4 WITH VARIABLE FEATURES. Identifiers: Orphanet 261, MedGen C2751807, MONDO:0013071, OMIM 612998.

Submission:

Labcorp Genetics (formerly Invitae), Labcorp
Classification: Uncertain significance for Emery-Dreifuss muscular dystrophy 4, autosomal dominant; Autosomal recessive ataxia, Beauce type. Last evaluated: 2021-11-08. Review status: criteria provided, single submitter. Criteria: Invitae Variant Classification Sherloc (09022015). Collection method: clinical testing. Allele origin: germline.
Comment: This sequence change replaces asparagine, which is neutral and polar, with tyrosine, which is neutral and polar, at codon 7020 of the SYNE1 protein (p.Asn7020Tyr). This variant is not present in population databases (gnomAD no frequency). This variant has not been reported in the literature in individuals affected with SYNE1-related conditions. Algorithms developed to predict the effect of missense changes on protein structure and function (SIFT, PolyPhen-2, Align-GVGD) all suggest that this variant is likely to be disruptive. In summary, the available evidence is currently insufficient to determine the role of this variant in disease. Therefore, it has been classified as a Variant of Uncertain Significance.

NM_182961.4(SYNE1):c.21271A>T (p.Asn7091Tyr)

Gene: SYNE1 (spectrin repeat containing nuclear envelope protein 1; minus strand). Cytogenetic location: 6q25.2.
Variant type: single nucleotide variant.
Coding change: c.21271A>T on transcript NM_182961.4 (MANE Select); coding-DNA position 21271, A replaced by T.
Protein change: p.Asn7091Tyr; replaces asparagine 7091 with tyrosine.
Molecular consequence: missense variant.
Genome position (GRCh38, 1-based): chr6:152,225,801, T>A on the plus strand (A>T on the coding strand, the complement: SYNE1 is on the minus strand). VCF-style: chr6-152225801-T-A. GRCh37 (hg19) VCF-style: chr6-152546936-T-A.
Other names: c.21058A>T, p.Asn7020Tyr (NM_033071.5); short protein forms N7020Y, N7091Y.
Identifiers: ClinVar variation 1479001 (VCV001479001.3), dbSNP rs777618601, ClinGen allele CA366109558.